The following is an entry in ClinVar:

ClinVar aggregate classification (germline): Pathogenic (1 of 4 stars; one submission).

Conditions:
USH2A-related disorder. Also called: USH2A-related condition; USH2A-related disorders. Identifiers: MedGen CN239332.

Submission:

Myriad Genetics, Inc.
Classification: Pathogenic for USH2A-related disorder. Last evaluated: 2026-06-20. Review status: criteria provided, single submitter. Criteria: Myriad Autosomal Dominant, Autosomal Recessive and X-Linked Classification Criteria (2023). Collection method: clinical testing. Allele origin: unknown.
Comment: NM_206933.2(USH2A):c.1649_1652dupATCG(C552Sfs*7) is expected to be pathogenic in the context of USH2A-related disorders. This variant is predicted to lead to an abnormal or absent protein product due to the creation of a premature termination codon in USH2A, a gene where loss-of-function variants are known to be pathogenic. Please note: this variant was assessed in the context of healthy population screening.

NM_206933.4(USH2A):c.1649_1652dup (p.Cys552fs)

Gene: USH2A (usherin; minus strand). Cytogenetic location: 1q41.
Variant type: Duplication.
Coding change: c.1649_1652dup on transcript NM_206933.4 (MANE Select); coding-DNA positions 1649 to 1652, 4 bases duplicated (ATCG; older notation c.1649_1652dupATCG).
Protein change: p.Cys552fs; shifts the reading frame from cysteine 552.
Molecular consequence: frameshift variant.
Genome position (GRCh38, 1-based): chr1:216,292,363-216,292,366, CGAT duplicated on the plus strand (ATCG on the coding strand, the reverse complement: USH2A is on the minus strand); duplicating any 4 consecutive bases within chr1:216,292,363-216,292,367 gives the same sequence; the c. name uses the placement nearest the transcript's 3' end. VCF-style (leftmost placement, unchanged base first): chr1-216292362-G-GCGAT. GRCh37 (hg19) VCF-style: chr1-216465704-G-GCGAT.
Other names: c.1649_1652dup, p.Cys552fs (NM_007123.6); short protein forms C552fs.
Identifiers: ClinVar variation 5016056 (VCV005016056.1).
Genomic context (GRCh38, chr1:216,292,362, plus strand): 5'-ATTGAAAGCGTAAACTTGATCACCTTGGCGGAAAGGCTTGTCATTATAAAGAGGCAAGCA[G>GCGAT]CGATCACACTAGAACAAAAAATATCAGAACAGTAAAGAAAATAAAGCTGTGATTTTCTTT-3'